The following is an entry in ClinVar:

ClinVar aggregate classification (germline): Likely pathogenic (1 of 4 stars; one submission).

Conditions:
Nephronophthisis 15 (NPHP15). Identifiers: Orphanet 3156, MedGen C3541853, MONDO:0013917, OMIM 614845.

Submission:

Labcorp Genetics (formerly Invitae), Labcorp
Classification: Likely pathogenic for Nephronophthisis 15. Last evaluated: 2022-07-12. Review status: criteria provided, single submitter. Criteria: Invitae Variant Classification Sherloc (09022015). Collection method: clinical testing. Allele origin: germline.
Comment: This variant results in the deletion of exon 14 and part of exon 15 of the CEP164 gene. It is expected to disrupt RNA splicing. Variants that disrupt the donor or acceptor splice site typically lead to a loss of protein function (PMID: 16199547), and loss-of-function variants in CEP164 are known to be pathogenic (PMID: 22863007, 28125082, 32367404, 34132027, 34499853). This variant has not been reported in the literature in individuals affected with CEP164-related conditions. In summary, the currently available evidence indicates that the variant is pathogenic, but additional data are needed to prove that conclusively. Therefore, this variant has been classified as Likely Pathogenic.

Literature cited by the submitters: PubMed 16199547; PubMed 22863007; PubMed 28125082; PubMed 32367404; PubMed 34132027; PubMed 34499853.

NC_000011.9:g.(?_117253375)_(117257939_?)del

Gene: CEP164 (centrosomal protein 164; plus strand). Cytogenetic location: 11q23.3.
Variant type: Deletion.
Identifiers: ClinVar variation 2426024 (VCV002426024.4).